The following is an entry in ClinVar:

ClinVar aggregate classification (germline): Likely pathogenic (0 of 4 stars; one submission).

Conditions:
CACNA1A-related disorder. Also called: CACNA1A-related condition.

Submission:

PreventionGenetics, part of Exact Sciences
Classification: Likely pathogenic for CACNA1A-related condition. Last evaluated: 2024-07-08. Review status: no assertion criteria provided. Collection method: clinical testing. Allele origin: germline.
Comment: The CACNA1A c.1005delG variant is predicted to result in premature protein termination (p.Trp335*). To our knowledge, this variant has not been reported in the literature or in a large population database, indicating this variant is rare. Nonsense variants in CACNA1A are expected to be pathogenic. This variant is interpreted as likely pathogenic.

NM_001127222.2(CACNA1A):c.1005del (p.Thr334_Trp335insTer)

Genes: CACNA1A (calcium voltage-gated channel subunit alpha1 A; minus strand), LOC126862866 (MED14-independent group 3 enhancer GRCh37_chr19:13445719-13446918; plus strand). Cytogenetic location: 19p13.13.
Variant type: Deletion.
Coding change: c.1005del on transcript NM_001127222.2 (MANE Select); coding-DNA position 1005, one base deleted (G; older notation c.1005delG).
Protein change: p.Thr334_Trp335insTer.
Molecular consequence: nonsense.
Genome position (GRCh38, 1-based): chr19:13,335,883, C deleted on the plus strand (G on the coding strand, the reverse complement: CACNA1A is on the minus strand); the first of 2 consecutive C bases (chr19:13,335,883-13,335,884); deleting either gives the same sequence. VCF-style (leftmost placement, unchanged base first): chr19-13335882-TC-T. GRCh37 (hg19) VCF-style: chr19-13446696-TC-T.
Other names: c.1005del, p.Thr334_Trp335insTer (NM_000068.4, NM_001127221.2, NM_001174080.2 and 1 more transcripts).
Identifiers: ClinVar variation 3347408 (VCV003347408.1).
Genomic context (GRCh38, chr19:13,335,882, plus strand): 5'-GCACAAGGTTCAGCATAAAAAAGGAGCCGATGATGATGAGGGGGATGAAGTACAACCAGT[TC>T]CAAGTGTTCCCTGAGGCATCGTTGCTCTGTAGGGTGTGAGGAGGGAAAGCAGGTGAGAGT-3'